The following is an entry in ClinVar:

ClinVar aggregate classification (germline): Uncertain significance (1 of 4 stars; one submission).

Conditions:
Bethlem myopathy 2 (BTHLM2). Identifiers: Orphanet 536516, Orphanet 610, MedGen C4225313, MONDO:0034022, OMIM 616471.
Ullrich congenital muscular dystrophy 2 (UCMD2). Identifiers: Orphanet 75840, MedGen C4225314, MONDO:0014654, OMIM 616470.

Submission:

Labcorp Genetics (formerly Invitae), Labcorp
Classification: Uncertain significance for Bethlem myopathy 2; Ullrich congenital muscular dystrophy 2. Last evaluated: 2021-01-17. Review status: criteria provided, single submitter. Criteria: Invitae Variant Classification Sherloc (09022015). Collection method: clinical testing. Allele origin: germline.
Comment: Algorithms developed to predict the effect of missense changes on protein structure and function are either unavailable or do not agree on the potential impact of this missense change (SIFT: "Deleterious"; PolyPhen-2: "Probably Damaging"; Align-GVGD: "Class C0"). In summary, the available evidence is currently insufficient to determine the role of this variant in disease. Therefore, it has been classified as a Variant of Uncertain Significance. This variant has not been reported in the literature in individuals with COL12A1-related conditions. This variant is not present in population databases (ExAC no frequency). This sequence change replaces asparagine with serine at codon 1894 of the COL12A1 protein (p.Asn1894Ser). The asparagine residue is highly conserved and there is a small physicochemical difference between asparagine and serine.

NM_004370.6(COL12A1):c.5681A>G (p.Asn1894Ser)

Gene: COL12A1 (collagen type XII alpha 1 chain; minus strand). Cytogenetic location: 6q13.
Variant type: single nucleotide variant.
Coding change: c.5681A>G on transcript NM_004370.6 (MANE Select); coding-DNA position 5681, A replaced by G.
Protein change: p.Asn1894Ser; replaces asparagine 1894 with serine.
Molecular consequence: missense variant.
Genome position (GRCh38, 1-based): chr6:75,133,406, T>C on the plus strand (A>G on the coding strand, the complement: COL12A1 is on the minus strand). VCF-style: chr6-75133406-T-C. GRCh37 (hg19) VCF-style: chr6-75843122-T-C.
Other names: c.2189A>G, p.Asn730Ser (NM_080645.3); short protein forms N1894S, N730S.
Identifiers: ClinVar variation 1403967 (VCV001403967.8), dbSNP rs2149387327, ClinGen allele CA364734400.